The following is an entry in ClinVar:

ClinVar aggregate classification (germline): Pathogenic (1 of 4 stars; one submission).

Submission:

Labcorp Genetics (formerly Invitae), Labcorp
Classification: Pathogenic. Last evaluated: 2024-01-02. Review status: criteria provided, single submitter. Criteria: Invitae Variant Classification Sherloc (09022015). Collection method: clinical testing. Allele origin: germline.
Comment: This sequence change creates a premature translational stop signal (p.Asn308Lysfs*38) in the MTHFD1 gene. It is expected to result in an absent or disrupted protein product. Loss-of-function variants in MTHFD1 are known to be pathogenic (PMID: 21813566, 25633902). This variant is not present in population databases (gnomAD no frequency). This variant has not been reported in the literature in individuals affected with MTHFD1-related conditions. ClinVar contains an entry for this variant (Variation ID: 2036806). For these reasons, this variant has been classified as Pathogenic.

Literature cited by the submitters: PubMed 21813566; PubMed 25633902.

NM_005956.4(MTHFD1):c.924del (p.Asn308fs)

Gene: MTHFD1 (methylenetetrahydrofolate dehydrogenase, cyclohydrolase and formyltetrahydrofolate synthetase 1; plus strand). Cytogenetic location: 14q23.3.
Variant type: Deletion.
Coding change: c.924del on transcript NM_005956.4 (MANE Select); coding-DNA position 924, one base deleted (C; older notation c.924delC).
Protein change: p.Asn308fs; shifts the reading frame from asparagine 308.
Molecular consequence: frameshift variant.
Genome position (GRCh38, 1-based): chr14:64,425,798, C deleted. VCF-style (leftmost placement, unchanged base first): chr14-64425797-AC-A. GRCh37 (hg19) VCF-style: chr14-64892515-AC-A.
Other names: c.924del, p.Asn308fs (NM_001364837.1); short protein forms N308fs.
Identifiers: ClinVar variation 2036806 (VCV002036806.4), dbSNP rs2550501131, ClinGen allele CA2580088344.